The following is an entry in ClinVar:

ClinVar aggregate classification (germline): Uncertain significance (1 of 4 stars; one submission).

Conditions:
X-linked severe congenital neutropenia (SCNX). Identifiers: Orphanet 86788, MedGen C1845987, MONDO:0010294, OMIM 300299.
Thrombocytopenia 1. Also called: X-linked thrombocytopenia with normal platelets; THROMBOCYTOPENIA, X-LINKED, 1; X-Linked Thrombocytopenia (XLT). Identifiers: Orphanet 268322, Orphanet 852, MedGen C1839163, MONDO:0010743, OMIM 313900.
Wiskott-Aldrich syndrome (WAS). Also called: ALDRICH SYNDROME; IMMUNODEFICIENCY 2; WISKOTT-ALDRICH SYNDROME 1; Wiskott-aldrich syndrome, somatic. Identifiers: Orphanet 906, MedGen C0043194, MONDO:0010518, OMIM 301000.

Submission:

Labcorp Genetics (formerly Invitae), Labcorp
Classification: Uncertain significance for Wiskott-Aldrich syndrome; X-linked severe congenital neutropenia; Thrombocytopenia 1. Last evaluated: 2022-07-30. Review status: criteria provided, single submitter. Criteria: Invitae Variant Classification Sherloc (09022015). Collection method: clinical testing. Allele origin: germline.
Comment: This variant has not been reported in the literature in individuals affected with WAS-related conditions. Algorithms developed to predict the effect of missense changes on protein structure and function are either unavailable or do not agree on the potential impact of this missense change (SIFT: "Not Available"; PolyPhen-2: "Probably Damaging"; Align-GVGD: "Not Available"). In summary, the available evidence is currently insufficient to determine the role of this variant in disease. Therefore, it has been classified as a Variant of Uncertain Significance. This sequence change replaces histidine, which is basic and polar, with glutamine, which is neutral and polar, at codon 249 of the WAS protein (p.His249Gln). This variant is not present in population databases (gnomAD no frequency).

NM_000377.3(WAS):c.747C>A (p.His249Gln)

Gene: WAS (WASP actin nucleation promoting factor; plus strand). Cytogenetic location: Xp11.23.
Variant type: single nucleotide variant.
Coding change: c.747C>A on transcript NM_000377.3 (MANE Select); coding-DNA position 747, C replaced by A.
Protein change: p.His249Gln; replaces histidine 249 with glutamine.
Molecular consequence: missense variant.
Genome position (GRCh38, 1-based): chrX:48,688,066, C>A. VCF-style: chrX-48688066-C-A. GRCh37 (hg19) VCF-style: chrX-48546455-C-A.
Other names: short protein forms H249Q.
Identifiers: ClinVar variation 1714433 (VCV001714433.5), dbSNP rs781809829, ClinGen allele CA412872064.